The following is an entry in ClinVar:

NM_001167.4(XIAP):c.663G>T (p.Arg221Ser)

Gene: XIAP (X-linked inhibitor of apoptosis; plus strand). Cytogenetic location: Xq25.
Variant type: single nucleotide variant.
Coding change: c.663G>T on transcript NM_001167.4 (MANE Select); coding-DNA position 663, G replaced by T.
Protein change: p.Arg221Ser; replaces arginine 221 with serine.
Molecular consequence: missense variant.
Genome position (GRCh38, 1-based): chrX:123,886,325, G>T. VCF-style: chrX-123886325-G-T. GRCh37 (hg19) VCF-style: chrX-123020175-G-T.
Other names: p.Arg221Ser; c.663G>T, p.Arg221Ser (NM_001204401.2, NM_001378590.1, NM_001378591.1 and 1 more transcripts); short protein forms R221S.
Identifiers: ClinVar variation 3380752 (VCV003380752.1).

ClinVar aggregate classification (germline): Uncertain significance (1 of 4 stars; one submission).

Submission:

Mayo Clinic Laboratories, Mayo Clinic
Classification: Uncertain significance. Last evaluated: 2024-09-05. Review status: criteria provided, single submitter. Criteria: ACMG Guidelines, 2015. Collection method: clinical testing. Allele origin: germline. Observed: 1 variant allele.
Comment: PM2